The following is an entry in ClinVar:

NM_006648.4(WNK2):c.2815C>T (p.Pro939Ser)

Gene: WNK2 (WNK lysine deficient protein kinase 2; plus strand). Cytogenetic location: 9q22.31.
Variant type: single nucleotide variant.
Coding change: c.2815C>T on transcript NM_006648.4 (MANE Select); coding-DNA position 2815, C replaced by T.
Protein change: p.Pro939Ser; replaces proline 939 with serine.
Molecular consequence: missense variant.
Genome position (GRCh38, 1-based): chr9:93,259,363, C>T. VCF-style: chr9-93259363-C-T. GRCh37 (hg19) VCF-style: chr9-96021645-C-T.
Other names: c.2815C>T, p.Pro939Ser (NM_001282394.3); short protein forms P939S.
Identifiers: ClinVar variation 5031789 (VCV005031789.1).

ClinVar aggregate classification (germline): Uncertain significance (1 of 4 stars; one submission).

gnomAD v4.1: 4 of 1,612,394 alleles (0.00025%); highest among the groups gnomAD compares: Non-Finnish European, 0.00034%; no homozygotes.

Submission:

Ambry Genetics
Classification: Uncertain significance. Last evaluated: 2026-06-16. Review status: criteria provided, single submitter. Criteria: Ambry Variant Classification Scheme 2023. Collection method: clinical testing. Allele origin: germline.
Comment: The p.P939S variant (also known as c.2815C>T), located in coding exon 11 of the WNK2 gene, results from a C to T substitution at nucleotide position 2815. The proline at codon 939 is replaced by serine, an amino acid with similar properties. This amino acid position is conserved. In addition, this alteration is predicted to be tolerated by in silico analysis. Based on the available evidence, the clinical significance of this variant remains unclear.